The following is an entry in ClinVar:

NM_001005242.3(PKP2):c.1301dup (p.Ala434_Glu435insTer)

Gene: PKP2 (plakophilin 2; minus strand). Cytogenetic location: 12p11.21.
Variant type: Duplication.
Coding change: c.1301dup on transcript NM_001005242.3 (MANE Select); coding-DNA position 1301, one base duplicated (C; older notation c.1301dupC).
Protein change: p.Ala434_Glu435insTer.
Molecular consequence: frameshift variant.
Genome position (GRCh38, 1-based): chr12:32,850,843, G duplicated on the plus strand (C on the coding strand, the reverse complement: PKP2 is on the minus strand). VCF-style (leftmost placement, unchanged base first): chr12-32850842-A-AG. GRCh37 (hg19) VCF-style: chr12-33003776-A-AG.
Other names: NM_004572.3:c.1301dupC; p.Glu435X; c.1301dup, p.Ala434_Glu435insTer (NM_004572.4); c.1301_1302insC (NM_004572.3).
Identifiers: ClinVar variation 228287 (VCV000228287.5), dbSNP rs876657659, ClinGen allele CA10576922.

ClinVar aggregate classification (germline): Likely pathogenic (1 of 4 stars; one submission).

Conditions:
Arrhythmogenic right ventricular cardiomyopathy (ARVD). Also called: Cardiomyopathy, ARVC; Arrhythmogenic right ventricular dysplasia; Arrhythmogenic cardiomyopathy; Arrhythmogenic Right Ventricular Cardiomyopathy (ARVC). Identifiers: Orphanet 247, MedGen C0349788, MeSH D019571, MONDO:0016587. Disease mechanism: loss of function. Inheritance: Various modes of inheritance.

Submission:

Laboratory for Molecular Medicine, Mass General Brigham Personalized Medicine
Classification: Likely pathogenic for Arrhythmogenic right ventricular cardiomyopathy. Last evaluated: 2015-06-05. Review status: criteria provided, single submitter. Criteria: LMM Criteria. Collection method: clinical testing. Allele origin: germline. Observed: 1 variant allele.
Comment: The p.Glu435X variant in PKP2 has not been previously reported in individuals wi th cardiomyopathy or in large population studies. This variant is predicted to c ause a frameshift, which leads to a premature stop codon at position 435. This a lteration is then predicted to result in a truncated or absent protein. Frameshi ft and other truncating variants in the PKP2 gene are established as disease-cau sing for ARVC. In summary, although additional studies are required to fully est ablish its clinical significance, the p.Glu435X variant is likely pathogenic.